The following is an entry in ClinVar:

NM_015338.6(ASXL1):c.2077C>T (p.Arg693Ter)

Gene: ASXL1 (ASXL transcriptional regulator 1; plus strand). Cytogenetic location: 20q11.21.
Variant type: single nucleotide variant.
Coding change: c.2077C>T on transcript NM_015338.6 (MANE Select); coding-DNA position 2077, C replaced by T.
Protein change: p.Arg693Ter; replaces arginine 693 with a stop codon.
Molecular consequence: nonsense.
Genome position (GRCh38, 1-based): chr20:32,434,789, C>T. VCF-style: chr20-32434789-C-T. GRCh37 (hg19) VCF-style: chr20-31022592-C-T.
Other names: c.1894C>T, p.Arg632Ter (NM_001363734.1); short protein forms R693*, R632*.
Identifiers: ClinVar variation 620281 (VCV000620281.6), dbSNP rs373221034, ClinGen allele CA9808536.

ClinVar aggregate classification (germline): Pathogenic. Review status: criteria provided, multiple submitters, no conflicts (2 of 4 stars). 3 submissions from 3 submitters: Pathogenic (3). Last evaluated 2024-03-25.

Conditions:
Myelodysplastic syndrome (MDS). Also called: Myelodysplastic syndrome, somatic; MYELODYSPLASTIC SYNDROME, SUSCEPTIBILITY TO; Myelodysplastic syndromes. Identifiers: Orphanet 52688, MedGen C3463824, MeSH D009190, MONDO:0018881, OMIM 614286.
Bohring-Opitz syndrome. Also called: OPITZ TRIGONOCEPHALY-LIKE SYNDROME; C-LIKE SYNDROME; BOHRING SYNDROME; ASXL1-Related Bohring-Opitz Syndrome. Identifiers: Orphanet 97297, MedGen C0796232, MONDO:0011510, OMIM 605039.

Allele frequency attached by ClinVar (database versions not stated): gnomAD 0.00002; gnomAD exomes 0.00002 and below 0.00001; ESP Exome Variant Server 0.00008; ExAC 0.00005.
gnomAD v4.1: 27 of 1,613,708 alleles (0.0017%); highest among the groups gnomAD compares: East Asian, 0.0022%; no homozygotes.

Submissions (3):

Women's Health and Genetics/Laboratory Corporation of America, LabCorp
Classification: Pathogenic for Bohring-Opitz syndrome. Last evaluated: 2024-03-25. Review status: criteria provided, single submitter. Criteria: LabCorp Variant Classification Summary - May 2015. Collection method: clinical testing. Allele origin: germline.
Comment: Variant summary: ASXL1 c.2077C>T (p.Arg693X) results in a premature termination codon, predicted to cause a truncation of the encoded protein or absence of the protein due to nonsense mediated decay, which are commonly known mechanisms for disease. Truncations downstream of this variant have been classified as pathogenic and reported in HGMD in association with Bohring-Opitz syndrome. The variant allele was found at a frequency of 4e-06 in 251152 control chromosomes. To our knowledge, no occurrence of c.2077C>T in individuals affected with Bohring-Opitz Syndrome and no experimental evidence demonstrating its impact on protein function have been reported. ClinVar contains an entry for this variant (Variation ID: 620281). Based on the evidence outlined above, the variant was classified as pathogenic.

Baylor Genetics
Classification: Pathogenic for Myelodysplastic syndrome. Last evaluated: 2022-01-14. Review status: criteria provided, single submitter. Criteria: ACMG Guidelines, 2015. Collection method: clinical testing. Allele origin: unknown.

GeneDx
Classification: Pathogenic. Last evaluated: 2018-08-10. Review status: criteria provided, single submitter. Criteria: GeneDx Variant Classification (06012015). Collection method: clinical testing. Allele origin: germline. Affected: yes.
Comment: The R693X variant in the ASXL1 gene has not been reported previously as a pathogenic variant nor as a benign variant, to our knowledge. This variant is predicted to cause loss of normal protein function through protein truncation. The R693X variant is observed in 1/30934 (0.003%) alleles in large population cohorts. We interpret R693X as a pathogenic variant.

Literature cited by the submitters: PubMed 22489043 (cited by Women's Health and Genetics/Laboratory Corporation of America, LabCorp); PubMed 24442206 (cited by Women's Health and Genetics/Laboratory Corporation of America, LabCorp); PubMed 24458439 (cited by Women's Health and Genetics/Laboratory Corporation of America, LabCorp); PubMed 25652455 (cited by Women's Health and Genetics/Laboratory Corporation of America, LabCorp); PubMed 24695057 (cited by Women's Health and Genetics/Laboratory Corporation of America, LabCorp); PubMed 23018865 (cited by Women's Health and Genetics/Laboratory Corporation of America, LabCorp); PubMed 21881046 (cited by Women's Health and Genetics/Laboratory Corporation of America, LabCorp); PubMed 23619563 (cited by Women's Health and Genetics/Laboratory Corporation of America, LabCorp); PubMed 20880116 (cited by Women's Health and Genetics/Laboratory Corporation of America, LabCorp); PubMed 23690417 (cited by Women's Health and Genetics/Laboratory Corporation of America, LabCorp); PubMed 22031865 (cited by Women's Health and Genetics/Laboratory Corporation of America, LabCorp); PubMed 25596267 (cited by Women's Health and Genetics/Laboratory Corporation of America, LabCorp); PubMed 22058207 (cited by Women's Health and Genetics/Laboratory Corporation of America, LabCorp); PubMed 24496303 (cited by Women's Health and Genetics/Laboratory Corporation of America, LabCorp); PubMed 21576631 (cited by Women's Health and Genetics/Laboratory Corporation of America, LabCorp); PubMed 24255920 (cited by Women's Health and Genetics/Laboratory Corporation of America, LabCorp); PubMed 27895058 (cited by Women's Health and Genetics/Laboratory Corporation of America, LabCorp); PubMed 27276561 (cited by Women's Health and Genetics/Laboratory Corporation of America, LabCorp).